The following is an entry in ClinVar:

NM_000038.6(APC):c.2970T>G (p.Asp990Glu)

Gene: APC (APC regulator of Wnt signaling pathway; plus strand). Cytogenetic location: 5q22.2.
Variant type: single nucleotide variant.
Coding change: c.2970T>G on transcript NM_000038.6 (MANE Select); coding-DNA position 2970, T replaced by G.
Protein change: p.Asp990Glu; replaces aspartic acid 990 with glutamic acid.
Molecular consequence: missense variant.
Genome position (GRCh38, 1-based): chr5:112,838,564, T>G. VCF-style: chr5-112838564-T-G. GRCh37 (hg19) VCF-style: chr5-112174261-T-G.
Other names: c.2970T>G, p.Asp990Glu (NM_001127510.3, NM_001354895.2); c.2916T>G, p.Asp972Glu (NM_001127511.3); c.3024T>G, p.Asp1008Glu (NM_001354896.2); c.3000T>G, p.Asp1000Glu (NM_001354897.2); c.2895T>G, p.Asp965Glu (NM_001354898.2); c.2886T>G, p.Asp962Glu (NM_001354899.2); c.2847T>G, p.Asp949Glu (NM_001354900.2); c.2793T>G, p.Asp931Glu (NM_001354901.2); and 5 more; short protein forms D864E, D889E, D949E, D707E, D830E, D931E, D962E, D990E.
Identifiers: ClinVar variation 650680 (VCV000650680.12), dbSNP rs1397548815, ClinGen allele CA16027823.

ClinVar aggregate classification (germline): Uncertain significance. Review status: criteria provided, multiple submitters, no conflicts (2 of 4 stars). 2 submissions from 2 submitters: Uncertain significance (2). Last evaluated 2025-06-09.

Conditions:
Familial adenomatous polyposis 1 (FAP1). Also called: FAMILIAL ADENOMATOUS POLYPOSIS 1, ATTENUATED; POLYPOSIS, ADENOMATOUS INTESTINAL. Identifiers: MedGen C2713442, MONDO:0021056, OMIM 175100. Disease mechanism: loss of function.

Allele frequency attached by ClinVar (database versions not stated): TOPMed 0.00001.

Submissions (2):

Labcorp Genetics (formerly Invitae), Labcorp
Classification: Uncertain significance for Familial adenomatous polyposis 1. Last evaluated: 2025-06-09. Review status: criteria provided, single submitter. Criteria: Invitae Variant Classification Sherloc (09022015). Collection method: clinical testing. Allele origin: germline.
Comment: This sequence change replaces aspartic acid, which is acidic and polar, with glutamic acid, which is acidic and polar, at codon 990 of the APC protein (p.Asp990Glu). This variant is not present in population databases (gnomAD no frequency). This variant has not been reported in the literature in individuals affected with APC-related conditions. ClinVar contains an entry for this variant (Variation ID: 650680). Invitae Evidence Modeling of protein sequence and biophysical properties (such as structural, functional, and spatial information, amino acid conservation, physicochemical variation, residue mobility, and thermodynamic stability) indicates that this missense variant is not expected to disrupt APC protein function with a negative predictive value of 95%. In summary, the available evidence is currently insufficient to determine the role of this variant in disease. Therefore, it has been classified as a Variant of Uncertain Significance.

Center for Genomic Medicine, Rigshospitalet, Copenhagen University Hospital
Classification: Uncertain significance. Last evaluated: 2025-03-04. Review status: criteria provided, single submitter. Criteria: ACMG Guidelines, 2015. Collection method: clinical testing. Allele origin: germline.